The following is an entry in ClinVar:

ClinVar aggregate classification (germline): Pathogenic (1 of 4 stars; one submission).

Allele frequency attached by ClinVar (database versions not stated): gnomAD 0.00001; ExAC 0.00003; gnomAD exomes 0.00004.

Submission:

Labcorp Genetics (formerly Invitae), Labcorp
Classification: Pathogenic. Last evaluated: 2022-04-29. Review status: criteria provided, single submitter. Criteria: Invitae Variant Classification Sherloc (09022015). Collection method: clinical testing. Allele origin: germline.
Comment: For these reasons, this variant has been classified as Pathogenic. This variant has not been reported in the literature in individuals affected with CCDC115-related conditions. This variant is present in population databases (rs756164478, gnomAD 0.06%). This sequence change creates a premature translational stop signal (p.Phe81Leufs*4) in the CCDC115 gene. It is expected to result in an absent or disrupted protein product. Loss-of-function variants in CCDC115 are known to be pathogenic (PMID: 26833332, 29759592).

Literature cited by the submitters: PubMed 26833332; PubMed 29759592.

NM_032357.4(VMA22):c.243del (p.Phe81fs)

Gene: VMA22 (vacuolar ATPase assembly factor VMA22; minus strand). Cytogenetic location: 2q21.1.
Variant type: Deletion.
Coding change: c.243del on transcript NM_032357.4 (MANE Select); coding-DNA position 243, one base deleted (C; older notation c.243delC).
Protein change: p.Phe81fs; shifts the reading frame from phenylalanine 81.
Molecular consequence: frameshift variant. On other transcripts: non-coding transcript variant (2).
Genome position (GRCh38, 1-based): chr2:130,341,722, G deleted on the plus strand (C on the coding strand, the reverse complement: VMA22 is on the minus strand). VCF-style (leftmost placement, unchanged base first): chr2-130341721-TG-T. GRCh37 (hg19) VCF-style: chr2-131099294-TG-T.
Other names: c.228del, p.Phe76fs (NM_001321118.1); c.219del, p.Phe73fs (NM_001321119.2); short protein forms F73fs, F81fs, F76fs.
Identifiers: ClinVar variation 1953265 (VCV001953265.5), dbSNP rs756164478, ClinGen allele CA1871296.
Genomic context (GRCh38, chr2:130,341,721, plus strand): 5'-GCTCACCTGCTTCGCGAGGCCCCACCTCCTCTGGGGCGTGGACACCAGCTCTCACCACCT[TG>T]AACTTCTGGAGTCCCTCCTGGGCCTCGCTGAAGGACGAGAAGGGAGGATGGAGCTTTGGC-3'